The following is an entry in ClinVar:

ClinVar aggregate classification (germline): Pathogenic (0 of 4 stars; one submission).

Conditions:
Polycystic kidney disease. Also called: Polycystic kidney dysplasia; Kidney, Polycystic. Identifiers: MedGen C0022680, MeSH D007690, MONDO:0020642, HP:0000113.

Submission:

Department of Pathology and Laboratory Medicine, Sinai Health System
Classification: Pathogenic for Polycystic Kidney disease. Review status: no assertion criteria provided. Collection method: clinical testing. Allele origin: unknown. Affected: yes. Study: The Canadian Open Genetics Repository (COGR).
Comment: The PKD2 p.Val623Glyfs*26 variant was not identified in the literature nor was it identified in the dbSNP, ClinVar, COGR, LOVD 3.0, ADPKD Mutation Database, or PKD1-LOVD database. The variant was not identified in the following control databases: the Exome Aggregation Consortium (August 8th 2016), or the Genome Aggregation Database (Feb 27, 2017). The c.1868_1872del variant is predicted to cause a frameshift, which alters the protein amino acid sequence beginning at codon 623 and leads to a premature stop codon at position 648. This alteration is then predicted to result in a truncated or absent protein and loss of function. Loss of function variants of the PKD2 gene are an established mechanism of disease in ADPKD and is the type of variant expected to cause the disorder. In summary, based on the above information this variant meets our laboratoryâ€šÃ„Ã´s criteria to be classified as pathogenic.

NM_000297.4(PKD2):c.1868_1872del (p.Val623fs)

Gene: PKD2 (polycystin 2, transient receptor potential cation channel; plus strand). Cytogenetic location: 4q22.1.
Variant type: Deletion.
Coding change: c.1868_1872del on transcript NM_000297.4 (MANE Select); coding-DNA positions 1868 to 1872, 5 bases deleted (TCGAT; older notation c.1868_1872delTCGAT).
Protein change: p.Val623fs; shifts the reading frame from valine 623.
Molecular consequence: frameshift variant. On other transcripts: non-coding transcript variant (1).
Genome position (GRCh38, 1-based): chr4:88,056,237-88,056,241, TCGAT deleted. VCF-style (leftmost placement, unchanged base first): chr4-88056236-GTCGAT-G. GRCh37 (hg19) VCF-style: chr4-88977388-GTCGAT-G.
Other names: short protein forms V623fs.
Identifiers: ClinVar variation 997108 (VCV000997108.1), dbSNP rs1720325828, ClinGen allele CA1474583872.
Genomic context (GRCh38, chr4:88,056,236, plus strand): 5'-ATGTTCTTCATTATTTTCCTAGCGTATGCTCAGTTGGCATACCTTGTCTTTGGCACTCAG[GTCGAT>G]GACTTCAGTACTTTCCAAGAGTGTATGTAAGTATATATGAAATTAAGAAGAAAAATTTAA-3'